The following is an entry in ClinVar:

ClinVar aggregate classification (germline): Pathogenic. Review status: criteria provided, multiple submitters, no conflicts (2 of 4 stars). 17 submissions from 17 submitters: Pathogenic (15). 2 of the submissions do not count toward it. Last evaluated 2026-03-01.

Conditions:
ACTB-related BAFopathy.
Inborn genetic diseases. Identifiers: MedGen C0950123, MeSH D030342.
Baraitser-Winter syndrome 1 (BRWS1). Also called: PACHYGYRIA, MENTAL RETARDATION, EPILEPSY, AND CHARACTERISTIC FACIES; MENTAL RETARDATION WITH EPILEPSY AND CHARACTERISTIC FACIES; Cerebrofrontofacial syndrome; BARAITSER-WINTER SYNDROME 1, ATYPICAL. Identifiers: Orphanet 2649, Orphanet 2995, MedGen C1855722, MONDO:0009470, OMIM 243310.
Developmental malformations-deafness-dystonia syndrome (DDS1). Identifiers: Orphanet 79107, MedGen C5848323, MONDO:0011823, OMIM 607371.

Submissions 1 to 10 of 17:

CeGaT Center for Human Genetics Tuebingen
Classification: Pathogenic. Last evaluated: 2026-03-01. Review status: criteria provided, single submitter. Criteria: CeGaT Center For Human Genetics Tuebingen Variant Classification Criteria Version 2. Collection method: clinical testing. Allele origin: germline. Affected: yes. Observed: 2 variant alleles.
Comment: ACTB: PS2, PS4, PM2, PP2, PP3, PS3:Supporting

Center of Human Genetics, Hôpital Erasme
Classification: Pathogenic for Baraitser-Winter syndrome 1. Last evaluated: 2025-01-01. Review status: criteria provided, single submitter. Criteria: ACMG Guidelines, 2015. Collection method: clinical testing. Allele origin: de novo. Affected: yes.

Institute of Human Genetics Munich, TUM University Hospital
Classification: Pathogenic for Developmental malformations-deafness-dystonia syndrome. Last evaluated: 2024-09-24. Review status: criteria provided, single submitter. Criteria: Classification criteria August 2017. Collection method: clinical testing. Allele origin: de novo. Inheritance: Autosomal dominant inheritance. Affected: yes. Observed: 1 variant allele.

Labcorp Genetics (formerly Invitae), Labcorp
Classification: Pathogenic for Baraitser-Winter syndrome 1. Last evaluated: 2023-12-06. Review status: criteria provided, single submitter. Criteria: Invitae Variant Classification Sherloc (09022015). Collection method: clinical testing. Allele origin: germline.
Comment: This sequence change replaces arginine, which is basic and polar, with tryptophan, which is neutral and slightly polar, at codon 183 of the ACTB protein (p.Arg183Trp). This variant is not present in population databases (gnomAD no frequency). This missense change has been observed in individual(s) with ACTB-related dystonia (PMID: 16685646, 28849312, 33446253). In at least one individual the variant was observed to be de novo. ClinVar contains an entry for this variant (Variation ID: 18275). Advanced modeling of protein sequence and biophysical properties (such as structural, functional, and spatial information, amino acid conservation, physicochemical variation, residue mobility, and thermodynamic stability) performed at Invitae indicates that this missense variant is not expected to disrupt ACTB protein function with a negative predictive value of 80%. Experimental studies have shown that this missense change affects ACTB function (PMID: 16685646). For these reasons, this variant has been classified as Pathogenic.

Molecular Genetics, Royal Melbourne Hospital
Classification: Pathogenic for Developmental malformations-deafness-dystonia syndrome. Last evaluated: 2023-03-30. Review status: criteria provided, single submitter. Criteria: ACMG Guidelines, 2015. Collection method: clinical testing. Allele origin: germline. Affected: yes.
Comment: This sequence change is predicted to replace arginine with tryptophan at codon 183 of the ACTB protein (p.Arg183Trp). The arginine residue is highly conserved (100 vertebrates, UCSC), and is located in the ATP-binding pocket region (PMID: 16685646). There is a large physicochemical difference between arginine and tryptophan. The variant is absent in a large population cohort (PM2; gnomAD v2.1). The variant is recurrent and has been reported in at least six probands with dystonia and sensorineural deafness, including two assumed de novo occurrences (PS4_Supporting, PM6_Strong; PMID: 16685646, 27862284, 28487785, 28849312, 29788902, 31970217). The variant results in altered protein confirmation causing decreased polymerization rates in in vitro functional assays and assessment of patient cells (PS3_Supporting, PP4; PMID: 16685646, 25255767). Multiple lines of computational evidence predict a deleterious effect for the missense substitution (PP3; 6/7 algorithms). In addition, ACTB is a gene with a low rate of benign missense variation and missense variants are a common mechanism of disease (PP2; gnomAD v2.1 gene missense constraint). Based on the classification scheme RMH ACMG Guidelines v1.2.1, this variant is classified as PATHOGENIC. Following criteria are met: PM6_Strong, PM2, PS3_Supporting, PS4_Supporting, PP2, PP3, PP4.

Institute of Medical Genetics and Applied Genomics, University Hospital Tübingen
Classification: Pathogenic for Developmental malformations-deafness-dystonia syndrome. Last evaluated: 2022-12-07. Review status: criteria provided, single submitter. Criteria: ACMG Guidelines, 2015. Collection method: clinical testing. Allele origin: germline. Inheritance: Autosomal dominant inheritance. Affected: yes.

GeneDx
Classification: Pathogenic. Last evaluated: 2022-10-05. Review status: criteria provided, single submitter. Criteria: GeneDx Variant Classification Process June 2021. Collection method: clinical testing. Allele origin: germline. Affected: yes.
Comment: Functional studies demonstrate that the R183W variant results in altered protein confirmation causing decreased polymerization rates as compared to wild type (Procaccio et al., 2006; Hundt et al., 2014); Missense variants in this gene are often considered pathogenic (HGMD); Not observed at significant frequency in large population cohorts (gnomAD); In silico analysis supports that this missense variant has a deleterious effect on protein structure/function; This variant is associated with the following publications: (PMID: 25255767, 16685646, 28849312, 27862284, 28487785, 22366783, 27240540, 33446253, 33098801, 31970217, 29788902, 33144682, 35005077, 34008892, 26583190)

Pittsburgh Clinical Genomics Laboratory, University of Pittsburgh Medical Center
Classification: Pathogenic for Baraitser-Winter syndrome 1. Last evaluated: 2022-09-23. Review status: criteria provided, single submitter. Criteria: ACMG Guidelines, 2015. Collection method: clinical testing. Allele origin: germline. Inheritance: Autosomal dominant inheritance. Affected: yes.
Comment: This sequence variant is a single nucleotide substitution (C>T) at coding position 547 of the ACTB gene that results in an arginine to tryptophan amino acid change at residue 183 of the ACTB-encoded protein, beta-actin. The Arg183 residue falls in the ATP-binding pocket region which plays a critical role in the polymerization of beta-actin into filaments (PMID: 16685646). This is a previously reported variant (ClinVar) that has been observed in heterozygous individuals affected by dystonia-deafness syndrome (PMID: 31970217, 29788902, 28849312, 28487785, 16685646). In addition, this variant has been observed co-segregating with this disorder in at least one family (PMID: 2786228). This variant is absent from the gnomAD control population dataset (0 of approximately 250,000 alleles). Multiple bioinformatic tools predict that this arginine to tryptophan amino acid change would disrupt the beta-actin structure and/or function, and the Arg183 residue is strongly conserved across the vertebrate species examined. Functiol studies have demonstrated that the protein generated by the variant is impaired in forming long, stable filaments, and its interaction with myosin is disrupted (PMID: 16685646, 25255767). Given this information, we consider this a pathogenic variant. ACMG Criteria: PM2, PP2, PP3, PS3, PS4

Dasa
Classification: Pathogenic for Developmental malformations-deafness-dystonia syndrome. Last evaluated: 2022-01-05. Review status: criteria provided, single submitter. Criteria: ACMG Guidelines, 2015. Collection method: clinical testing. Allele origin: germline. Affected: yes. Observed: 1 variant allele.
Comment: The c.547C>T;p.(Arg183Trp) missense variant has been observed in affected individual(s) and ClinVar contains an entry for this variant (ClinVar ID: 18275; PMID: 26583190;16685646; 28487785; 29788902; 31970217) - PS4. This variant is not present in population databases (rs104894003, gnomAD; ABraOM no frequency) - PM2. The variant was assumed de novo, but without confirmation of paternity and maternity (PMID: 16685646; 28487785; 29788902) - PM6. Multiple lines of computational evidence support a deleterious effect on the gene or gene product - PP3. In summary, the currently available evidence indicates that the variant is pathogenic.

Baylor Genetics
Classification: Pathogenic for ACTB-related BAFopathy. Last evaluated: 2021-06-10. Review status: criteria provided, single submitter. Criteria: ACMG Guidelines, 2015. Collection method: clinical testing. Allele origin: de novo, unknown. Affected: yes.

NM_001101.5(ACTB):c.547C>T (p.Arg183Trp)

Gene: ACTB (actin beta; minus strand). Cytogenetic location: 7p22.1.
Variant type: single nucleotide variant.
Coding change: c.547C>T on transcript NM_001101.5 (MANE Select); coding-DNA position 547, C replaced by T.
Protein change: p.Arg183Trp; replaces arginine 183 with tryptophan.
Molecular consequence: missense variant.
Genome position (GRCh38, 1-based): chr7:5,528,536, G>A on the plus strand (C>T on the coding strand, the complement: ACTB is on the minus strand). VCF-style: chr7-5528536-G-A. GRCh37 (hg19) VCF-style: chr7-5568167-G-A.
Other names: c.547C>T, p.Arg183Trp (LRG_132t1); short protein forms R183W.
Identifiers: ClinVar variation 18275 (VCV000018275.66), dbSNP rs104894003, ClinGen allele CA341493.